The following is an entry in ClinVar:

ClinVar aggregate classification (germline): Uncertain significance (1 of 4 stars; one submission).

Conditions:
Familial hypobetalipoproteinemia 1. Also called: APOB-Related Familial Hypobetalipoproteinemia; Hypobetalipoproteinemia, normotriglyceridemic; Acanthocytosis with hypobetalipoproteinemia. Identifiers: MedGen C4551990, MONDO:0014252, OMIM 615558.
Hypercholesterolemia, autosomal dominant, type B (FHCL2). Also called: Familial Hypercholesterolemia Type B; APOLIPOPROTEIN B-100, FAMILIAL DEFECTIVE; APOLIPOPROTEIN B-100, FAMILIAL LIGAND-DEFECTIVE; HYPERCHOLESTEROLEMIA, FAMILIAL, DUE TO LIGAND-DEFECTIVE APOLIPOPROTEIN B; Hyperlipoproteinemia Type IIb; Familial hypercholesterolemia 2. Identifiers: MedGen C1704417, MONDO:0007751, OMIM 144010.

Submission:

Labcorp Genetics (formerly Invitae), Labcorp
Classification: Uncertain significance for Familial hypobetalipoproteinemia 1; Hypercholesterolemia, autosomal dominant, type B. Last evaluated: 2024-10-07. Review status: criteria provided, single submitter. Criteria: Invitae Variant Classification Sherloc (09022015). Collection method: clinical testing. Allele origin: germline.
Comment: This sequence change replaces asparagine, which is neutral and polar, with aspartic acid, which is acidic and polar, at codon 1798 of the APOB protein (p.Asn1798Asp). This variant is not present in population databases (gnomAD no frequency). This variant has not been reported in the literature in individuals affected with APOB-related conditions. Invitae Evidence Modeling of protein sequence and biophysical properties (such as structural, functional, and spatial information, amino acid conservation, physicochemical variation, residue mobility, and thermodynamic stability) indicates that this missense variant is not expected to disrupt APOB protein function with a negative predictive value of 95%. In summary, the available evidence is currently insufficient to determine the role of this variant in disease. Therefore, it has been classified as a Variant of Uncertain Significance.

NM_000384.3(APOB):c.5392A>G (p.Asn1798Asp)

Gene: APOB (apolipoprotein B; minus strand). Cytogenetic location: 2p24.1.
Variant type: single nucleotide variant.
Coding change: c.5392A>G on transcript NM_000384.3 (MANE Select); coding-DNA position 5392, A replaced by G.
Protein change: p.Asn1798Asp; replaces asparagine 1798 with aspartic acid.
Molecular consequence: missense variant.
Genome position (GRCh38, 1-based): chr2:21,011,476, T>C on the plus strand (A>G on the coding strand, the complement: APOB is on the minus strand). VCF-style: chr2-21011476-T-C. GRCh37 (hg19) VCF-style: chr2-21234348-T-C.
Other names: short protein forms N1798D.
Identifiers: ClinVar variation 3751932 (VCV003751932.2).